The following is an entry in ClinVar:

NM_000263.4(NAGLU):c.112C>T (p.Arg38Trp)

Genes: NAGLU (N-acetyl-alpha-glucosaminidase; plus strand), LOC130060903 (ATAC-STARR-seq lymphoblastoid silent region 8533; plus strand). Cytogenetic location: 17q21.2.
Variant type: single nucleotide variant.
Coding change: c.112C>T on transcript NM_000263.4 (MANE Select); coding-DNA position 112, C replaced by T.
Protein change: p.Arg38Trp; replaces arginine 38 with tryptophan.
Molecular consequence: missense variant.
Genome position (GRCh38, 1-based): chr17:42,536,384, C>T. VCF-style: chr17-42536384-C-T. GRCh37 (hg19) VCF-style: chr17-40688402-C-T.
Other names: c.112C>T (NM_000263.3); short protein forms R38W.
Identifiers: ClinVar variation 2138020 (VCV002138020.8), dbSNP rs1460260015, ClinGen allele CA399595333.
Genomic context (GRCh38, chr17:42,536,384, plus strand): 5'-GCCGGGGGCGCGGCAGGCGACGAGGCCCGGGAGGCGGCGGCCGTGCGGGCGCTCGTGGCC[C>T]GGCTGCTGGGGCCAGGCCCCGCGGCCGACTTCTCCGTGTCGGTGGAGCGCGCTCTGGCTG-3'
Protein context (NP_000254.2, residues 28-48): EAAAVRALVA[Arg38Trp]LLGPGPAADF

ClinVar aggregate classification (germline): Pathogenic/Likely pathogenic. Review status: criteria provided, multiple submitters, no conflicts (2 of 4 stars). 3 submissions from 3 submitters: Pathogenic (1); Likely pathogenic (2). Last evaluated 2023-11-06.

Conditions:
Charcot-Marie-Tooth disease axonal type 2V. Also called: CHARCOT-MARIE-TOOTH NEUROPATHY, TYPE 2V; CHARCOT-MARIE-TOOTH DISEASE, AXONAL, AUTOSOMAL DOMINANT, TYPE 2V. Identifiers: Orphanet 447964, MedGen C5569050, MONDO:0014665, OMIM 616491.
Mucopolysaccharidosis, MPS-III-B (MPS3B). Also called: N-ACETYL-ALPHA-D-GLUCOSAMINIDASE DEFICIENCY; NAGLU DEFICIENCY; SANFILIPPO SYNDROME B; MPS III B; MUCOPOLYSACCHARIDOSIS, TYPE IIIB; MPS IIIB (Sanfilippo Syndrome Type B). Identifiers: Orphanet 79270, MedGen C0086648, MONDO:0009656, OMIM 252920.
Inborn genetic diseases. Identifiers: MedGen C0950123, MeSH D030342.

Allele frequency attached by ClinVar (database versions not stated): TOPMed 0.00001; gnomAD 0.00001.

Submissions (3):

Labcorp Genetics (formerly Invitae), Labcorp
Classification: Likely pathogenic for Charcot-Marie-Tooth disease axonal type 2V; Mucopolysaccharidosis, MPS-III-B. Last evaluated: 2023-11-06. Review status: criteria provided, single submitter. Criteria: Invitae Variant Classification Sherloc (09022015). Collection method: clinical testing. Allele origin: germline.
Comment: This sequence change replaces arginine, which is basic and polar, with tryptophan, which is neutral and slightly polar, at codon 38 of the NAGLU protein (p.Arg38Trp). This variant is not present in population databases (gnomAD no frequency). This missense change has been observed in individual(s) with clinical features of mucopolysaccharidosis type III (PMID: 16151907, 32056211). It has also been observed to segregate with disease in related individuals. ClinVar contains an entry for this variant (Variation ID: 2138020). Advanced modeling of protein sequence and biophysical properties (such as structural, functional, and spatial information, amino acid conservation, physicochemical variation, residue mobility, and thermodynamic stability) has been performed at Invitae for this missense variant, however the output from this modeling did not meet the statistical confidence thresholds required to predict the impact of this variant on NAGLU protein function. Experimental studies have shown that this missense change affects NAGLU function (PMID: 16151907). In summary, the currently available evidence indicates that the variant is pathogenic, but additional data are needed to prove that conclusively. Therefore, this variant has been classified as Likely Pathogenic.

Illumina Laboratory Services, Illumina
Classification: Likely pathogenic. Last evaluated: 2022-11-22. Review status: criteria provided, single submitter. Criteria: ICSL CNVClassificationCriteria Aug2020. Collection method: clinical testing. Allele origin: unknown. Affected: yes.
Comment: The NAGLU c.112C>T (p.Arg38Trp) missense variant results in the substitution of arginine at amino acid position 38 with tryptophan. This variant has been reported in a homozygous state in three unrelated individuals with mucopolysaccharidosis type III (PMID: 16151907; PMID: 24347096; PMID: 32056211). In one family, the variant segregates with disease in an additional affected sibling (PMID: 32056211). This variant is reported in the Genome Aggregation Database in one allele at a frequency of 0.000208 in the South Asian population (version 3.1.2). Transient overexpression of a c.112C>T variant construct in CHO cells demonstrated this variant reduces enzymatic activity to background levels when compared to controls (PMID: 9832037). Multiple lines of computational evidence suggest the variant may have a deleterious effect on the gene or gene product. Based on the available evidence, the c.112C>T (p.Arg38Trp) variant is classified as likely pathogenic for mucopolysaccharidosis type IIIB.

Ambry Genetics
Classification: Pathogenic for Inborn genetic diseases. Last evaluated: 2021-07-13. Review status: criteria provided, single submitter. Criteria: Ambry Variant Classification Scheme 2023. Collection method: clinical testing. Allele origin: germline.
Comment: The c.112C>T (p.R38W) alteration is located in exon 1 (coding exon 1) of the NAGLU gene. This alteration results from a C to T substitution at nucleotide position 112, causing the arginine (R) at amino acid position 38 to be replaced by a tryptophan (W). Based on data from the Genome Aggregation Database (gnomAD), the NAGLU c.112C>T alteration was not observed, with coverage at this position. This alteration has been reported in the homozygous state in multiple patients with a clinical diagnosis and/or features consistent with Sanfilippo syndrome type IIIB (Beesley, 2005; Delgadillo, 2013; Froukh, 2020). Affected patient fibroblasts demonstrated reduced residual enzyme activity and increased glycosaminoglycans concentration (Matalonga, 2014). This amino acid position is highly conserved in available vertebrate species. In vitro expression studies in Chinese hamster ovary cells demonstrated decreased NAGLU activity (Beesley, 2005). The p.R38W alteration is predicted to be deleterious by in silico analysis. Based on the available evidence, this alteration is classified as pathogenic.

Literature cited by the submitters: PubMed 16151907 (cited by 3 submitters); PubMed 32056211 (cited by 3 submitters); PubMed 24347096 (cited by Illumina Laboratory Services, Illumina and Ambry Genetics); PubMed 9832037 (cited by Illumina Laboratory Services, Illumina); PubMed 24314109 (cited by Ambry Genetics).